The following is an entry in ClinVar:

ClinVar aggregate classification (germline): Benign/Likely benign. Review status: criteria provided, multiple submitters, no conflicts (2 of 4 stars). 5 submissions from 5 submitters: Benign (2); Likely benign (2). 1 of the submissions does not count toward it. Last evaluated 2026-02-01.

Conditions:
EPG5-related disorder. Also called: EPG5-related condition. Identifiers: MedGen CN381528.
Vici syndrome (VICIS). Identifiers: Orphanet 1493, MedGen C1855772, MONDO:0009452, OMIM 242840.

Allele frequency attached by ClinVar (database versions not stated): 1000 Genomes Project 30x 0.00312; 1000 Genomes Project 0.00319; TOPMed 0.00826; gnomAD 0.01049 and 0.01093; gnomAD exomes 0.01195 and 0.01384; ESP Exome Variant Server 0.01316; ExAC 0.01373.
gnomAD v4.1: 21,519 of 1,613,108 alleles (1.3%); highest among the groups gnomAD compares: Non-Finnish European, 1.6%; 182 homozygotes.

Submissions (5):

Labcorp Genetics (formerly Invitae), Labcorp
Classification: Benign for Vici syndrome. Last evaluated: 2026-02-01. Review status: criteria provided, single submitter. Criteria: Invitae Variant Classification Sherloc (09022015). Collection method: clinical testing. Allele origin: germline.

Blueprint Genetics
Classification: Benign. Last evaluated: 2024-11-27. Review status: criteria provided, single submitter. Criteria: ACMG Guidelines, 2015. Collection method: clinical testing. Allele origin: germline.

GeneDx
Classification: Likely benign. Last evaluated: 2024-02-27. Review status: criteria provided, single submitter. Criteria: GeneDx Variant Classification Process June 2021. Collection method: clinical testing. Allele origin: germline. Affected: yes.
Comment: See Variant Classification Assertion Criteria.

Breakthrough Genomics
Classification: Likely benign. Review status: criteria provided, single submitter. Criteria: ACMG Guidelines, 2015. Collection method: not provided. Allele origin: germline. Inheritance: Autosomal recessive inheritance. Affected: yes.

PreventionGenetics, part of Exact Sciences
Classification: Benign for EPG5-related condition. Last evaluated: 2019-07-15. Review status: no assertion criteria provided. Collection method: clinical testing. Allele origin: germline. Not counted in ClinVar's aggregate classification.
Comment: This variant is classified as benign based on ACMG/AMP sequence variant interpretation guidelines (Richards et al. 2015 PMID: 25741868, with internal and published modifications).

NM_020964.3(EPG5):c.1766A>G (p.Gln589Arg)

Gene: EPG5 (ectopic P-granules 5 autophagy tethering factor; minus strand). Cytogenetic location: 18q21.1.
Variant type: single nucleotide variant.
Coding change: c.1766A>G on transcript NM_020964.3 (MANE Select); coding-DNA position 1766, A replaced by G.
Protein change: p.Gln589Arg; replaces glutamine 589 with arginine.
Molecular consequence: missense variant.
Genome position (GRCh38, 1-based): chr18:45,944,031, T>C on the plus strand (A>G on the coding strand, the complement: EPG5 is on the minus strand). VCF-style: chr18-45944031-T-C. GRCh37 (hg19) VCF-style: chr18-43523997-T-C.
Other names: short protein forms Q589R.
Identifiers: ClinVar variation 1170240 (VCV001170240.14), dbSNP rs61734402, ClinGen allele CA8949620.